The following is an entry in ClinVar:

ClinVar aggregate classification (germline): Uncertain significance (1 of 4 stars; one submission).

Conditions:
Glycogen storage disease, type II (IOPD). Also called: Pompe Disease; CARDIOMEGALIA GLYCOGENICA DIFFUSA; GLYCOGENOSIS, GENERALIZED, CARDIAC FORM; GSD II; POMPE DISEASE, INFANTILE-ONSET; GLYCOGEN STORAGE DISEASE II, INFANTILE-ONSET. Identifiers: Orphanet 365, MedGen C0017921, MONDO:0009290, OMIM 232300.

Submission:

Genomenon, Inc
Classification: Uncertain significance for Glycogen storage disease, type II. Last evaluated: 2026-07-01. Review status: criteria provided, single submitter. Criteria: Genomenon Sequence Variant Interpretation Standards - Updated. Collection method: curation. Allele origin: germline. Affected: no.
Comment: GAA p.Leu291His (c.872T>A) is a missense variant that changes the amino acid at codon 291 from Leucine to Histidine. This variant has been reported in the published literature (PMID:18425781). At least one functional study has demonstrated a substantial alteration in protein function relative to the wild-type (PMID:18425781). The presence of pathogenic/likely pathogenic missense variant(s) at the same amino acid position indicates that this residue is likely important for protein function. It is absent or not present at a significant frequency in gnomAD. In silico models predict that this variant is possibly or probably damaging. In conclusion, we classify GAA p.Leu291His (c.872T>A) as a variant of uncertain significance.

Literature cited by the submitters: PubMed 18425781.

NM_000152.5(GAA):c.872T>A (p.Leu291His)

Gene: GAA (alpha glucosidase; plus strand). Cytogenetic location: 17q25.3.
Variant type: single nucleotide variant.
Coding change: c.872T>A on transcript NM_000152.5 (MANE Select); coding-DNA position 872, T replaced by A.
Protein change: p.Leu291His; replaces leucine 291 with histidine.
Molecular consequence: missense variant.
Genome position (GRCh38, 1-based): chr17:80,107,813, T>A. VCF-style: chr17-80107813-T-A. GRCh37 (hg19) VCF-style: chr17-78081612-T-A.
Other names: c.872T>A, p.Leu291His (NM_001079803.3, NM_001079804.3, NM_001406741.1 and 1 more transcripts); short protein forms L291H.
Identifiers: ClinVar variation 4876575 (VCV004876575.1).